The following is an entry in ClinVar:

ClinVar aggregate classification (germline): Likely benign (1 of 4 stars; one submission).

Allele frequency attached by ClinVar (database versions not stated): gnomAD 0.00005; gnomAD exomes 0.00005; ESP Exome Variant Server 0.00008; TOPMed 0.00009; ExAC 0.00014; 1000 Genomes Project 30x 0.00016; 1000 Genomes Project 0.00020.
gnomAD v4.1: 79 of 1,612,714 alleles (0.0049%); highest among the groups gnomAD compares: East Asian, 0.12%; no homozygotes.

Submission:

Women's Health and Genetics/Laboratory Corporation of America, LabCorp
Classification: Likely benign. Last evaluated: 2023-12-18. Review status: criteria provided, single submitter. Criteria: LabCorp Variant Classification Summary - May 2015. Collection method: clinical testing. Allele origin: germline.
Comment: Variant summary: LRDD c.2289C>T results in a synonymous change. Consensus agreement among computation tools predict no significant impact on normal splicing. However, these predictions have yet to be confirmed by functional studies. The variant allele was found at a frequency of 0.0001 in 276936 control chromosomes (gnomAD). To our knowledge, no occurrence of c.2289C>T in individuals affected with Intellectual Developmental Disorder, Autosomal Recessive 75, With Neuropsychiatric Features And Variant Lissencephaly and no experimental evidence demonstrating its impact on protein function have been reported. No submitters have cited clinical-significance assessments for this variant to ClinVar after 2014. Based on the evidence outlined above, the variant was classified as likely benign.

NM_145886.4(PIDD1):c.2289C>T (p.Ser763=)

Gene: PIDD1 (p53-induced death domain protein 1; minus strand). Cytogenetic location: 11p15.5.
Variant type: single nucleotide variant.
Coding change: c.2289C>T on transcript NM_145886.4 (MANE Select); coding-DNA position 2289, C replaced by T.
Protein change: p.Ser763=; no amino-acid change (serine 763 retained).
Molecular consequence: synonymous variant.
Genome position (GRCh38, 1-based): chr11:800,000, G>A on the plus strand (C>T on the coding strand, the complement: PIDD1 is on the minus strand). VCF-style: chr11-800000-G-A. GRCh37 (hg19) VCF-style: chr11-800000-G-A.
Other names: c.2238C>T, p.Ser746= (NM_145887.4).
Identifiers: ClinVar variation 2691327 (VCV002691327.1), dbSNP rs201571144, ClinGen allele CA5789614.